The following is an entry in ClinVar:

NM_002439.5(MSH3):c.696A>C (p.Leu232=)

Gene: MSH3 (mutS homolog 3; plus strand). Cytogenetic location: 5q14.1.
Variant type: single nucleotide variant.
Coding change: c.696A>C on transcript NM_002439.5 (MANE Select); coding-DNA position 696, A replaced by C.
Protein change: p.Leu232=; no amino-acid change (leucine 232 retained).
Molecular consequence: synonymous variant.
Genome position (GRCh38, 1-based): chr5:80,670,213, A>C. VCF-style: chr5-80670213-A-C. GRCh37 (hg19) VCF-style: chr5-79966032-A-C.
Identifiers: ClinVar variation 765288 (VCV000765288.38), dbSNP rs150903605, ClinGen allele CA3327680.
Genomic context (GRCh38, chr5:80,670,213, plus strand): 5'-TTTACAGAAAACTGCTTCCAAATCAGCTAACAAACGGTCCAAAAGCATCTATACGCCGCT[A>C]GAATTACAATACATAGAAATGAAGCAGCAGCACAAAGATGCAGTTTTGTGTGTGGAATGT-3'
Protein context (NP_002430.3, residues 222-242): NKRSKSIYTP[Leu232=]ELQYIEMKQQ

ClinVar aggregate classification (germline): Likely benign. Review status: criteria provided, multiple submitters, no conflicts (2 of 4 stars). 4 submissions from 4 submitters: Likely benign (4). Last evaluated 2026-01-15.

Conditions:
Hereditary cancer-predisposing syndrome. Also called: Hereditary Cancer Syndrome; Tumor predisposition; Hereditary neoplastic syndrome; Neoplastic Syndromes, Hereditary. Identifiers: Orphanet 140162, MedGen C0027672, MeSH D009386, MONDO:0015356.

Allele frequency attached by ClinVar (database versions not stated): gnomAD 0.00001; gnomAD exomes 0.00001; ExAC 0.00002; TOPMed 0.00002; ESP Exome Variant Server 0.00008.
gnomAD v4.1: 17 of 1,614,082 alleles (0.0011%); highest among the groups gnomAD compares: Non-Finnish European, 0.0014%; no homozygotes.

Submissions (4):

Labcorp Genetics (formerly Invitae), Labcorp
Classification: Likely benign. Last evaluated: 2026-01-15. Review status: criteria provided, single submitter. Criteria: Invitae Variant Classification Sherloc (09022015). Collection method: clinical testing. Allele origin: germline.

Blueprint Genetics
Classification: Likely benign. Last evaluated: 2024-11-22. Review status: criteria provided, single submitter. Criteria: ACMG Guidelines, 2015. Collection method: clinical testing. Allele origin: germline.

CeGaT Center for Human Genetics Tuebingen
Classification: Likely benign. Last evaluated: 2022-10-01. Review status: criteria provided, single submitter. Criteria: CeGaT Center For Human Genetics Tuebingen Variant Classification Criteria Version 2. Collection method: clinical testing. Allele origin: germline. Affected: yes. Observed: 1 variant allele.
Comment: MSH3: BP4, BP7

Ambry Genetics
Classification: Likely benign for Hereditary cancer-predisposing syndrome. Last evaluated: 2020-10-08. Review status: criteria provided, single submitter. Criteria: Ambry Variant Classification Scheme 2023. Collection method: clinical testing. Allele origin: germline.